The following is an entry in ClinVar:

ClinVar aggregate classification (germline): Uncertain significance (1 of 4 stars; one submission).

Submission:

Women's Health and Genetics/Laboratory Corporation of America, LabCorp
Classification: Uncertain significance. Last evaluated: 2024-07-11. Review status: criteria provided, single submitter. Criteria: LabCorp Variant Classification Summary - May 2015. Collection method: clinical testing. Allele origin: germline.
Comment: Variant summary: MYLPF/MYL11 c.426_447dup22 (p.Asn150LeufsX53) results in a premature termination codon in the last coding exon of the gene, predicted to cause a truncation of the encoded protein. However, the molecular mechanism of disease attributed to MYLPF/MYL11 is currently unknown. c.426_447dup22 (p.Asn150LeufsX53) causes a frameshift which results in deletion of the C-terminal 20 amino acids and replacement with 53 amino acids foreign to the intrinsic sequence of the protein. This variant is absent in control population (gnomAD). The available data on variant occurrences in the general population are insufficient to allow any conclusion about variant significance. To our knowledge, no occurrence of c.426_447dup22 in individuals affected with Arthrogryposis, Distal, Type 1C and no experimental evidence demonstrating its impact on protein function have been reported. No submitters have cited clinical-significance assessments for this variant to ClinVar. Based on the evidence outlined above, the variant was classified as uncertain significance.

NM_013292.5(MYL11):c.426_447dup (p.Asn150fs)

Genes: MYL11 (myosin light chain 11; plus strand), LOC112441444 (Sharpr-MPRA regulatory region 9884; plus strand). Cytogenetic location: 16p11.2.
Variant type: Duplication.
Coding change: c.426_447dup on transcript NM_013292.5 (MANE Select); coding-DNA positions 426 to 447, 22 bases duplicated (CTTCCCCCCCGACGTGGGCGGC).
Protein change: p.Asn150fs; shifts the reading frame from asparagine 150.
Molecular consequence: frameshift variant.
Genome position (GRCh38, 1-based): chr16:30,377,816-30,377,837, CTTCCCCCCCGACGTGGGCGGC duplicated; duplicating any 22 consecutive bases within chr16:30,377,807-30,377,837 gives the same sequence; the c. name uses the placement nearest the transcript's 3' end. VCF-style (leftmost placement, unchanged base first): chr16-30377806-T-TGTGGGCGGCCTTCCCCCCCGAC. GRCh37 (hg19) VCF-style: chr16-30389127-T-TGTGGGCGGCCTTCCCCCCCGAC.
Other names: c.426_447dup, p.Asn150fs (NM_001324458.2, NM_001324459.2); c.426_447dup22 (NM_013292.5); short protein forms N150fs.
Identifiers: ClinVar variation 3338931 (VCV003338931.1).
Genomic context (GRCh38, chr16:30,377,806, plus strand): 5'-GGCCGGGGAGACTAAGGGCCTGTGCGAGACGCCCCTACGTCTTTCCCCAGATCAAGAACA[T>TGTGGGCGGCCTTCCCCCCCGAC]GTGGGCGGCCTTCCCCCCCGACGTGGGCGGCAACGTCGACTACAAAAACATCTGCTACGT-3'